The following is an entry in ClinVar:

NM_004273.5(CHST3):c.11G>A (p.Gly4Glu)

Gene: CHST3 (carbohydrate sulfotransferase 3; plus strand). Cytogenetic location: 10q22.1.
Variant type: single nucleotide variant.
Coding change: c.11G>A on transcript NM_004273.5 (MANE Select); coding-DNA position 11, G replaced by A.
Protein change: p.Gly4Glu; replaces glycine 4 with glutamic acid.
Molecular consequence: missense variant.
Genome position (GRCh38, 1-based): chr10:72,005,853, G>A. VCF-style: chr10-72005853-G-A. GRCh37 (hg19) VCF-style: chr10-73765611-G-A.
Other names: short protein forms G4E.
Identifiers: ClinVar variation 1026534 (VCV001026534.6), dbSNP rs1840033319, ClinGen allele CA377138947.

ClinVar aggregate classification (germline): Uncertain significance (1 of 4 stars; one submission).

Conditions:
Spondyloepiphyseal dysplasia with congenital joint dislocations (SEDCJD). Also called: Chondrodysplasia with Congenital Joint Dislocations, CHST3-Related. Identifiers: Orphanet 263463, MedGen C1837657, MONDO:0007738, OMIM 143095.

Submission:

Labcorp Genetics (formerly Invitae), Labcorp
Classification: Uncertain significance for Spondyloepiphyseal dysplasia with congenital joint dislocations. Last evaluated: 2021-08-31. Review status: criteria provided, single submitter. Criteria: Invitae Variant Classification Sherloc (09022015). Collection method: clinical testing. Allele origin: germline.
Comment: This sequence change replaces glycine with glutamic acid at codon 4 of the CHST3 protein (p.Gly4Glu). The glycine residue is moderately conserved and there is a moderate physicochemical difference between glycine and glutamic acid. This variant is not present in population databases (ExAC no frequency). This variant has not been reported in the literature in individuals affected with CHST3-related conditions. Algorithms developed to predict the effect of missense changes on protein structure and function (SIFT, PolyPhen-2, Align-GVGD) all suggest that this variant is likely to be tolerated. In summary, the available evidence is currently insufficient to determine the role of this variant in disease. Therefore, it has been classified as a Variant of Uncertain Significance.